The following is an entry in ClinVar:

ClinVar aggregate classification (germline): Likely pathogenic. Review status: criteria provided, multiple submitters, no conflicts (2 of 4 stars). 4 submissions from 4 submitters: Likely pathogenic (3). 1 of the submissions does not count toward it. Last evaluated 2021-05-20.

Conditions:
Tuberous sclerosis 2 (TSC2). Identifiers: Orphanet 805, MedGen C1860707, MONDO:0013199, OMIM 613254.
Hereditary cancer-predisposing syndrome. Also called: Neoplastic Syndromes, Hereditary; Tumor predisposition; Hereditary Cancer Syndrome; Hereditary neoplastic syndrome. Identifiers: Orphanet 140162, MedGen C0027672, MeSH D009386, MONDO:0015356.
Tuberous sclerosis syndrome (TSC). Also called: Tuberous Sclerosis Complex; Tuberous sclerosis. Identifiers: Orphanet 805, MedGen C0041341, MONDO:0001734.

Submissions (4):

Athena Diagnostics
Classification: Likely pathogenic. Last evaluated: 2021-05-20. Review status: criteria provided, single submitter. Criteria: Athena Diagnostics criteria. Collection method: clinical testing. Allele origin: unknown.
Comment: This variant has not been reported in large, multi-ethnic general populations. This variant has been identified in at least one individual with clinical features associated with this gene. Exerimental evidence suggests this variant results in an inactive form of the protein (PMID: 32502382). Computational tools predict that this variant is damaging.

Mendelics
Classification: Likely pathogenic for Tuberous sclerosis 2. Last evaluated: 2019-05-28. Review status: criteria provided, single submitter. Criteria: Mendelics Assertion Criteria 2017. Collection method: clinical testing. Allele origin: unknown.

Ambry Genetics
Classification: Likely pathogenic for Hereditary cancer-predisposing syndrome. Last evaluated: 2017-11-14. Review status: criteria provided, single submitter. Criteria: Ambry Variant Classification Scheme 2023. Collection method: clinical testing. Allele origin: germline.
Comment: The p.L1562P variant (also known as c.4685T>C), located in coding exon 36 of the TSC2 gene, results from a T to C substitution at nucleotide position 4685. The leucine at codon 1562 is replaced by proline, an amino acid with similar properties. This alteration was detected in an individual with either a clinical diagnosis or high suspicion of tuberous sclerosis complex (TSC) and is localized in the GAP related domain of tuberin (Rosset C et al. PLoS ONE, 2017 Oct;12:e0185713). Based on internal structural analysis, this alteration is more destabilizing than known pathogenic variants (Daumke O et al. Nature, 2004 May;429(6988):197-201). This amino acid position is highly conserved in available vertebrate species. In addition, this alteration is predicted to be deleterious by in silico analysis. Based on the majority of available evidence to date, this variant is likely to be pathogenic.

Tuberous sclerosis database (TSC2)
No classification provided. Condition: TSC. Review status: no classification provided. Criteria: Tuberous Sclerosis Database Assertion Criteria 2015. Collection method: curation. Allele origin: germline. Affected: yes. Not counted in ClinVar's aggregate classification.

Literature cited by the submitters: PubMed 28968464 (cited by Athena Diagnostics and Ambry Genetics); PubMed 32502382 (cited by Athena Diagnostics).

NM_000548.5(TSC2):c.4685T>C (p.Leu1562Pro)

Gene: TSC2 (TSC complex subunit 2; plus strand). Cytogenetic location: 16p13.3.
Variant type: single nucleotide variant.
Coding change: c.4685T>C on transcript NM_000548.5 (MANE Select); coding-DNA position 4685, T replaced by C.
Protein change: p.Leu1562Pro; replaces leucine 1562 with proline.
Molecular consequence: missense variant.
Genome position (GRCh38, 1-based): chr16:2,086,215, T>C. VCF-style: chr16-2086215-T-C. GRCh37 (hg19) VCF-style: chr16-2136216-T-C.
Other names: c.4484T>C, p.Leu1495Pro (NM_001077183.3); c.4616T>C, p.Leu1539Pro (NM_001114382.3); c.4376T>C, p.Leu1459Pro (NM_001318827.2); c.4340T>C, p.Leu1447Pro (NM_001318829.2); c.3953T>C, p.Leu1318Pro (NM_001318831.2); c.4517T>C, p.Leu1506Pro (NM_001318832.2); c.4487T>C, p.Leu1496Pro (NM_001363528.2); c.4553T>C, p.Leu1518Pro (NM_001370404.1); and 1 more; short protein forms L1562P, L1495P, L1506P, L1518P, L1459P, L1519P, L1539P, L1447P.
Identifiers: ClinVar variation 50052 (VCV000050052.6), dbSNP rs45517362, ClinGen allele CA020902.